The following is an entry in ClinVar:

NM_001318852.2(MAPK8IP3):c.2747G>A (p.Arg916Gln)

Gene: MAPK8IP3 (mitogen-activated protein kinase 8 interacting protein 3; plus strand). Cytogenetic location: 16p13.3.
Variant type: single nucleotide variant.
Coding change: c.2747G>A on transcript NM_001318852.2 (MANE Select); coding-DNA position 2747, G replaced by A.
Protein change: p.Arg916Gln; replaces arginine 916 with glutamine.
Molecular consequence: missense variant.
Genome position (GRCh38, 1-based): chr16:1,766,337, G>A. VCF-style: chr16-1766337-G-A. GRCh37 (hg19) VCF-style: chr16-1816338-G-A.
Other names: c.2744G>A (NM_015133.3); c.2726G>A, p.Arg909Gln (NM_001040439.2); c.2744G>A, p.Arg915Gln (NM_015133.5, NM_033392.3); short protein forms R909Q, R915Q, R916Q.
Identifiers: ClinVar variation 2645928 (VCV002645928.25), dbSNP rs201418752, ClinGen allele CA7817390.

ClinVar aggregate classification (germline): Likely benign. Review status: criteria provided, multiple submitters, no conflicts (2 of 4 stars). 2 submissions from 2 submitters: Likely benign (2). Last evaluated 2025-01-08.

Conditions:
Inborn genetic diseases. Identifiers: MedGen C0950123, MeSH D030342.

Allele frequency attached by ClinVar (database versions not stated): TOPMed 0.00006; ExAC 0.00013; gnomAD 0.00019.
gnomAD v4.1: 114 of 1,612,576 alleles (0.0071%); highest among the groups gnomAD compares: Non-Finnish European, 0.0042%; no homozygotes.

Submissions (2):

Ambry Genetics
Classification: Likely benign for Inborn genetic diseases. Last evaluated: 2025-01-08. Review status: criteria provided, single submitter. Criteria: Ambry Variant Classification Scheme 2023. Collection method: clinical testing. Allele origin: germline.

CeGaT Center for Human Genetics Tuebingen
Classification: Likely benign. Last evaluated: 2023-03-01. Review status: criteria provided, single submitter. Criteria: CeGaT Center For Human Genetics Tuebingen Variant Classification Criteria Version 2. Collection method: clinical testing. Allele origin: germline. Affected: yes. Observed: 1 variant allele.
Comment: MAPK8IP3: BS2